The following is an entry in ClinVar:

NM_001042413.2(GLIS3):c.94C>T (p.Arg32Ter)

Gene: GLIS3 (GLIS family zinc finger 3; minus strand). Cytogenetic location: 9p24.2.
Variant type: single nucleotide variant.
Coding change: c.94C>T on transcript NM_001042413.2 (MANE Select); coding-DNA position 94, C replaced by T.
Protein change: p.Arg32Ter; replaces arginine 32 with a stop codon.
Molecular consequence: nonsense.
Genome position (GRCh38, 1-based): chr9:4,286,332, G>A on the plus strand (C>T on the coding strand, the complement: GLIS3 is on the minus strand). VCF-style: chr9-4286332-G-A. GRCh37 (hg19) VCF-style: chr9-4286332-G-A.
Other names: short protein forms R32*.
Identifiers: ClinVar variation 1030060 (VCV001030060.4), dbSNP rs753993867, ClinGen allele CA4968707.

ClinVar aggregate classification (germline): Conflicting classifications of pathogenicity. Review status: criteria provided, conflicting classifications (1 of 4 stars). 3 submissions from 3 submitters: Likely pathogenic (1); Uncertain significance (2). Last evaluated 2024-05-31.

Conditions:
Neonatal diabetes mellitus with congenital hypothyroidism. Also called: NDH SYNDROME. Identifiers: Orphanet 79118, MedGen C1857775, MONDO:0012436, OMIM 610199.

Allele frequency attached by ClinVar (database versions not stated): ExAC 0.00002; gnomAD exomes 0.00002; TOPMed 0.00003.
gnomAD v4.1: 30 of 1,614,088 alleles (0.0019%); highest among the groups gnomAD compares: Middle Eastern, 0.049%; no homozygotes.

Submissions (3):

Fulgent Genetics
Classification: Uncertain significance for Neonatal diabetes mellitus with congenital hypothyroidism. Last evaluated: 2024-05-31. Review status: criteria provided, single submitter. Criteria: ACMG Guidelines, 2015. Collection method: clinical testing. Allele origin: germline.

GeneDx
Classification: Uncertain significance. Last evaluated: 2022-09-29. Review status: criteria provided, single submitter. Criteria: GeneDx Variant Classification Process June 2021. Collection method: clinical testing. Allele origin: germline. Affected: yes.
Comment: Nonsense variant predicted to result in protein truncation or nonsense mediated decay in a gene for which loss of function is a known mechanism of disease; Reported using an alternate transcript of the gene; Has not been previously reported as pathogenic or benign in an affected individual to our knowledge; This variant is associated with the following publications: (PMID: 34200080)

Baylor Genetics
Classification: Likely pathogenic for Neonatal diabetes mellitus with congenital hypothyroidism. Last evaluated: 2019-12-20. Review status: criteria provided, single submitter. Criteria: ACMG Guidelines, 2015. Collection method: clinical testing. Allele origin: unknown. Affected: yes.
Comment: This variant was determined to be likely pathogenic according to ACMG Guidelines, 2015 [PMID:25741868].